The following is an entry in ClinVar:

ClinVar aggregate classification (germline): Pathogenic (1 of 4 stars; one submission).

Conditions:
Xeroderma pigmentosum, group F (XPF). Also called: XERODERMA PIGMENTOSUM VI; XP, GROUP F; XERODERMA PIGMENTOSUM, TYPE F; Xeroderma pigmentosum, type 6; XERODERMA PIGMENTOSUM, COMPLEMENTATION GROUP F; ERCC4-Related Xeroderma Pigmentosum. Identifiers: MedGen C0268140, MONDO:0010215, OMIM 278760.
Cockayne syndrome. Identifiers: Orphanet 191, MedGen C0009207, MONDO:0016006.
Fanconi anemia complementation group Q. Identifiers: Orphanet 84, MedGen C3808988, MONDO:0014108, OMIM 615272.

Allele frequency attached by ClinVar (database versions not stated): gnomAD exomes below 0.00001; TOPMed below 0.00001.

Submission:

Labcorp Genetics (formerly Invitae), Labcorp
Classification: Pathogenic for Fanconi anemia complementation group Q; Xeroderma pigmentosum, group F; Cockayne syndrome. Last evaluated: 2018-03-14. Review status: criteria provided, single submitter. Criteria: Invitae Variant Classification Sherloc (09022015). Collection method: clinical testing. Allele origin: germline.
Comment: This variant has not been reported in the literature in individuals with ERCC4-related disease. This variant is not present in population databases (ExAC no frequency). This sequence change creates a premature translational stop signal (p.Tyr577*) in the ERCC4 gene. It is expected to result in an absent or disrupted protein product. A different variant (c.1730_1731insA) giving rise to the same protein effect observed here (p.Tyr577*) has been reported in an individual affected with Cockayne syndrome (PMID: 23623389). For these reasons, this variant has been classified as Pathogenic. Loss-of-function variants in ERCC4 are known to be pathogenic (PMID: 23623386).

Literature cited by the submitters: PubMed 23623389; PubMed 23623386.

NM_005236.3(ERCC4):c.1731del (p.Arg576_Tyr577insTer)

Gene: ERCC4 (ERCC excision repair 4, endonuclease catalytic subunit; plus strand). Cytogenetic location: 16p13.12.
Variant type: Deletion.
Coding change: c.1731del on transcript NM_005236.3 (MANE Select); coding-DNA position 1731, one base deleted (C; older notation c.1731delC).
Protein change: p.Arg576_Tyr577insTer.
Molecular consequence: nonsense.
Genome position (GRCh38, 1-based): chr16:13,935,663, C deleted. VCF-style (leftmost placement, unchanged base first): chr16-13935662-AC-A. GRCh37 (hg19) VCF-style: chr16-14029519-AC-A.
Other names: c.1731delC (NM_005236.2).
Identifiers: ClinVar variation 541251 (VCV000541251.8), dbSNP rs1555468482, ClinGen allele CA658798545.